The following is an entry in ClinVar:

ClinVar aggregate classification (germline): Uncertain significance (1 of 4 stars; one submission).

Conditions:
Cardiovascular phenotype. Identifiers: MedGen CN230736.

Submission:

Ambry Genetics
Classification: Uncertain significance for Cardiovascular phenotype. Last evaluated: 2026-06-01. Review status: criteria provided, single submitter. Criteria: Ambry Variant Classification Scheme 2023. Collection method: clinical testing. Allele origin: germline.
Comment: The p.A568P variant (also known as c.1702G>C), located in coding exon 8 of the PKP2 gene, results from a G to C substitution at nucleotide position 1702. The alanine at codon 568 is replaced by proline, an amino acid with highly similar properties. This amino acid position is conserved. In addition, this alteration is predicted to be deleterious by in silico analysis. Based on the available evidence, the clinical significance of this variant remains unclear.

NM_001005242.3(PKP2):c.1570G>C (p.Ala524Pro)

Gene: PKP2 (plakophilin 2; minus strand). Cytogenetic location: 12p11.21.
Variant type: single nucleotide variant.
Coding change: c.1570G>C on transcript NM_001005242.3 (MANE Select); coding-DNA position 1570, G replaced by C.
Protein change: p.Ala524Pro; replaces alanine 524 with proline.
Molecular consequence: missense variant.
Genome position (GRCh38, 1-based): chr12:32,824,149, C>G on the plus strand (G>C on the coding strand, the complement: PKP2 is on the minus strand). VCF-style: chr12-32824149-C-G. GRCh37 (hg19) VCF-style: chr12-32977083-C-G.
Other names: c.1702G>C, p.Ala568Pro (NM_004572.4, NM_001407157.1); c.1570G>C, p.Ala524Pro (NM_001407155.1, NM_001407156.1, NM_001407161.1); c.1243G>C, p.Ala415Pro (NM_001407158.1, NM_001407159.1, NM_001407160.1 and 1 more transcripts); short protein forms A415P, A524P, A568P.
Identifiers: ClinVar variation 4861999 (VCV004861999.1).